The following is an entry in ClinVar:

NM_001042492.3(NF1):c.8118del (p.Phe2706fs)

Gene: NF1 (neurofibromin 1; plus strand). Cytogenetic location: 17q11.2.
Variant type: Deletion.
Coding change: c.8118del on transcript NM_001042492.3 (MANE Select); coding-DNA position 8118, one base deleted (T; older notation c.8118delT).
Protein change: p.Phe2706fs; shifts the reading frame from phenylalanine 2706.
Molecular consequence: frameshift variant.
Genome position (GRCh38, 1-based): chr17:31,358,973, T deleted; the last of 4 consecutive T bases (chr17:31,358,970-31,358,973); deleting any one gives the same sequence. VCF-style (leftmost placement, unchanged base first): chr17-31358969-GT-G. GRCh37 (hg19) VCF-style: chr17-29685987-GT-G.
Other names: c.8055delT (NM_000267.3); c.8055delT, p.Phe2685Leufs (NM_000267.4); short protein forms F2685fs, F2706fs.
Identifiers: ClinVar variation 2007106 (VCV002007106.5), dbSNP rs2508837771, ClinGen allele CA2580093498.

ClinVar aggregate classification (germline): Pathogenic. Review status: criteria provided, multiple submitters, no conflicts (2 of 4 stars). 2 submissions from 2 submitters: Pathogenic (2). Last evaluated 2025-08-12.

Conditions:
Hereditary cancer-predisposing syndrome. Also called: Neoplastic Syndromes, Hereditary; Hereditary neoplastic syndrome; Tumor predisposition; Hereditary Cancer Syndrome. Identifiers: Orphanet 140162, MedGen C0027672, MeSH D009386, MONDO:0015356.
Cardiovascular phenotype. Identifiers: MedGen CN230736.
Neurofibromatosis, type 1 (NF1). Also called: Neurofibromatosis, type I; Peripheral type neurofibromatosis; VON RECKLINGHAUSEN DISEASE; NEUROFIBROMATOSIS, TYPE I, SOMATIC. Identifiers: Orphanet 636, MedGen C0027831, MONDO:0018975, OMIM 162200. Disease mechanism: loss of function.

Submissions (2):

Ambry Genetics
Classification: Pathogenic for Cardiovascular phenotype; Hereditary cancer-predisposing syndrome. Last evaluated: 2025-08-12. Review status: criteria provided, single submitter. Criteria: Ambry Variant Classification Scheme 2023. Collection method: clinical testing. Allele origin: germline.
Comment: The c.8055delT pathogenic mutation, located in coding exon 55 of the NF1 gene, results from a deletion of one nucleotide at nucleotide position 8055, causing a translational frameshift with a predicted alternate stop codon (p.F2685Lfs*33). This variant is considered to be rare based on population cohorts in the Genome Aggregation Database (gnomAD). This alteration is expected to result in loss of function by premature protein truncation or nonsense-mediated mRNA decay. As such, this alteration is interpreted as a disease-causing mutation.

Labcorp Genetics (formerly Invitae), Labcorp
Classification: Pathogenic for Neurofibromatosis, type 1. Last evaluated: 2022-06-15. Review status: criteria provided, single submitter. Criteria: Invitae Variant Classification Sherloc (09022015). Collection method: clinical testing. Allele origin: germline.
Comment: This variant has not been reported in the literature in individuals affected with NF1-related conditions. This variant is not present in population databases (gnomAD no frequency). This sequence change creates a premature translational stop signal (p.Phe2685Leufs*33) in the NF1 gene. It is expected to result in an absent or disrupted protein product. Loss-of-function variants in NF1 are known to be pathogenic (PMID: 10712197, 23913538). For these reasons, this variant has been classified as Pathogenic.

Literature cited by the submitters: PubMed 10712197 (cited by Labcorp Genetics (formerly Invitae), Labcorp); PubMed 23913538 (cited by Labcorp Genetics (formerly Invitae), Labcorp).